The following is an entry in ClinVar:

ClinVar aggregate classification (germline): Uncertain significance (1 of 4 stars; one submission).

Conditions:
Combined oxidative phosphorylation defect type 17. Also called: Combined oxidative phosphorylation deficiency 17. Identifiers: Orphanet 369913, MedGen C3809526, MONDO:0014190, OMIM 615440.

Allele frequency attached by ClinVar (database versions not stated): gnomAD exomes below 0.00001; TOPMed below 0.00001.
gnomAD v4.1: 1 of 1,611,648 alleles (0.000062%); highest among the groups gnomAD compares: Non-Finnish European, 0.000085%; no homozygotes.

Submission:

Labcorp Genetics (formerly Invitae), Labcorp
Classification: Uncertain significance for Combined oxidative phosphorylation defect type 17. Last evaluated: 2021-04-06. Review status: criteria provided, single submitter. Criteria: Invitae Variant Classification Sherloc (09022015). Collection method: clinical testing. Allele origin: germline.
Comment: In summary, the available evidence is currently insufficient to determine the role of this variant in disease. Therefore, it has been classified as a Variant of Uncertain Significance. This sequence change replaces leucine with proline at codon 795 of the ELAC2 protein (p.Leu795Pro). The leucine residue is moderately conserved and there is a moderate physicochemical difference between leucine and proline. This variant is not present in population databases (ExAC no frequency). This variant has not been reported in the literature in individuals with ELAC2-related conditions. Algorithms developed to predict the effect of missense changes on protein structure and function are either unavailable or do not agree on the potential impact of this missense change (SIFT: "Deleterious"; PolyPhen-2: "Possibly Damaging"; Align-GVGD: "Class C0").

NM_018127.7(ELAC2):c.2384T>C (p.Leu795Pro)

Gene: ELAC2 (elaC ribonuclease Z 2; minus strand). Cytogenetic location: 17p12.
Variant type: single nucleotide variant.
Coding change: c.2384T>C on transcript NM_018127.7 (MANE Select); coding-DNA position 2384, T replaced by C.
Protein change: p.Leu795Pro; replaces leucine 795 with proline.
Molecular consequence: missense variant.
Genome position (GRCh38, 1-based): chr17:12,992,915, A>G on the plus strand (T>C on the coding strand, the complement: ELAC2 is on the minus strand). VCF-style: chr17-12992915-A-G. GRCh37 (hg19) VCF-style: chr17-12896232-A-G.
Other names: c.2264T>C, p.Leu755Pro (NM_001165962.2); c.2381T>C, p.Leu794Pro (NM_173717.2); short protein forms L755P, L794P, L795P.
Identifiers: ClinVar variation 1419776 (VCV001419776.8), dbSNP rs917643446, ClinGen allele CA288075003.
Genomic context (GRCh38, chr17:12,992,915, plus strand): 5'-GTGTGGGCCCGCTTCTGCTGAGGCTCCCCATCCTCCAGGCCGCCTGCCAGCTCCCTGGAC[A>G]GGAGGGCCGCCCGCACCTGCCGCAGCTCCCGCTTCTCCCTGCGCTCCTCCATCTCCTCGA-3'
Protein context (NP_060597.4, residues 785-805): RELRQVRAAL[Leu795Pro]SRELAGGLED